The following is an entry in ClinVar:

ClinVar aggregate classification (germline): Uncertain significance. Review status: criteria provided, multiple submitters, no conflicts (2 of 4 stars). 2 submissions from 2 submitters: Uncertain significance (2). Last evaluated 2023-07-09.

Allele frequency attached by ClinVar (database versions not stated): gnomAD exomes below 0.00001; TOPMed below 0.00001; ExAC 0.00001.
gnomAD v4.1: 4 of 1,607,250 alleles (0.00025%); highest among the groups gnomAD compares: Non-Finnish European, 0.00017%; no homozygotes.

Submissions (2):

Labcorp Genetics (formerly Invitae), Labcorp
Classification: Uncertain significance. Last evaluated: 2023-07-09. Review status: criteria provided, single submitter. Criteria: Invitae Variant Classification Sherloc (09022015). Collection method: clinical testing. Allele origin: germline.
Comment: ClinVar contains an entry for this variant (Variation ID: 1038362). This variant is present in population databases (rs766737247, gnomAD 0.003%). This variant has not been reported in the literature in individuals affected with PROM1-related conditions. Advanced modeling of protein sequence and biophysical properties (such as structural, functional, and spatial information, amino acid conservation, physicochemical variation, residue mobility, and thermodynamic stability) performed at Invitae indicates that this missense variant is not expected to disrupt PROM1 protein function. In summary, the available evidence is currently insufficient to determine the role of this variant in disease. Therefore, it has been classified as a Variant of Uncertain Significance. This sequence change replaces aspartic acid, which is acidic and polar, with alanine, which is neutral and non-polar, at codon 243 of the PROM1 protein (p.Asp243Ala).

Blueprint Genetics
Classification: Uncertain significance. Last evaluated: 2020-08-27. Review status: criteria provided, single submitter. Criteria: ACMG Guidelines, 2015. Collection method: clinical testing. Allele origin: germline.

NM_006017.3(PROM1):c.728A>C (p.Asp243Ala)

Gene: PROM1 (prominin 1; minus strand). Cytogenetic location: 4p15.32.
Variant type: single nucleotide variant.
Coding change: c.728A>C on transcript NM_006017.3 (MANE Select); coding-DNA position 728, A replaced by C.
Protein change: p.Asp243Ala; replaces aspartic acid 243 with alanine.
Molecular consequence: missense variant.
Genome position (GRCh38, 1-based): chr4:16,023,382, T>G on the plus strand (A>C on the coding strand, the complement: PROM1 is on the minus strand). VCF-style: chr4-16023382-T-G. GRCh37 (hg19) VCF-style: chr4-16025005-T-G.
Other names: c.701A>C, p.Asp234Ala (NM_001145847.2, NM_001145848.2, NM_001145851.2 and 4 more transcripts); c.728A>C, p.Asp243Ala (NM_001145849.2, NM_001145850.2); short protein forms D234A, D243A.
Identifiers: ClinVar variation 1038362 (VCV001038362.9), dbSNP rs766737247, ClinGen allele CA2866973.